The following is an entry in ClinVar:

NM_003001.5(SDHC):c.406-3C>T

Gene: SDHC (succinate dehydrogenase complex subunit C; plus strand). Cytogenetic location: 1q23.3.
Variant type: single nucleotide variant.
Coding change: c.406-3C>T on transcript NM_003001.5 (MANE Select); 3 bases into the intron before coding-DNA position 406, C replaced by T.
Molecular consequence: intron variant.
Genome position (GRCh38, 1-based): chr1:161,362,326, C>T. VCF-style: chr1-161362326-C-T. GRCh37 (hg19) VCF-style: chr1-161332116-C-T.
Other names: c.295-3C>T (NM_001407119.1, NM_001407120.1); c.526-3C>T (NM_001407115.1); c.242-3C>T (NM_001035511.3); c.304-3C>T (NM_001035512.3); c.140-3C>T (NM_001278172.3); c.298-3C>T (NM_001407118.1); c.349-3C>T (NM_001407116.1); c.185-3C>T (NM_001407121.1); and 2 more.
Identifiers: ClinVar variation 465973 (VCV000465973.14), dbSNP rs372490900, ClinGen allele CA658656976.

ClinVar aggregate classification (germline): Uncertain significance. Review status: criteria provided, multiple submitters, no conflicts (2 of 4 stars). 2 submissions from 2 submitters: Uncertain significance (2). Last evaluated 2025-09-17.

Conditions:
Pheochromocytoma/paraganglioma syndrome 3. Also called: SDHC-Related Hereditary Paraganglioma-Pheochromocytoma Syndrome (Paragangliomas 3); GLOMUS TUMORS, FAMILIAL, 3; SDHC-Related Hereditary Paraganglioma-Pheochromocytoma Syndrome; Paragangliomas 3. Identifiers: Orphanet 29072, MedGen C1854336, MONDO:0011544, OMIM 605373.
Gastrointestinal stromal tumor. Also called: Gastrointestinal stroma tumor; Gastrointestinal stromal tumor, somatic. Identifiers: Orphanet 44890, MedGen C0238198, MeSH D046152, MONDO:0011719, OMIM 606764, HP:0100723.
Hereditary cancer-predisposing syndrome. Also called: Tumor predisposition; Hereditary neoplastic syndrome; Neoplastic Syndromes, Hereditary; Hereditary Cancer Syndrome. Identifiers: Orphanet 140162, MedGen C0027672, MeSH D009386, MONDO:0015356.

Submissions (2):

Labcorp Genetics (formerly Invitae), Labcorp
Classification: Uncertain significance for Pheochromocytoma/paraganglioma syndrome 3; Gastrointestinal stromal tumor. Last evaluated: 2025-09-17. Review status: criteria provided, single submitter. Criteria: Invitae Variant Classification Sherloc (09022015). Collection method: clinical testing. Allele origin: germline.
Comment: This sequence change falls in intron 5 of the SDHC gene. It does not directly change the encoded amino acid sequence of the SDHC protein. It affects a nucleotide within the consensus splice site. This variant is not present in population databases (gnomAD no frequency). This variant has not been reported in the literature in individuals affected with SDHC-related conditions. ClinVar contains an entry for this variant (Variation ID: 465973). Variants that disrupt the consensus splice site are a relatively common cause of aberrant splicing (PMID: 17576681, 9536098). Algorithms developed to predict the effect of sequence changes on RNA splicing suggest that this variant is not likely to affect RNA splicing. In summary, the available evidence is currently insufficient to determine the role of this variant in disease. Therefore, it has been classified as a Variant of Uncertain Significance.

Ambry Genetics
Classification: Uncertain significance for Hereditary cancer-predisposing syndrome. Last evaluated: 2025-02-03. Review status: criteria provided, single submitter. Criteria: Ambry Variant Classification Scheme 2023. Collection method: clinical testing. Allele origin: germline.
Comment: The c.406-3C>T intronic variant results from a C to T substitution 3 nucleotides upstream from coding exon 6 in the SDHC gene. This nucleotide position is well conserved in available vertebrate species. In silico splice site analysis predicts that this alteration may weaken the native splice acceptor site; however, direct evidence is insufficient at this time (Ambry internal data). Based on the available evidence, the clinical significance of this variant remains unclear.

Literature cited by the submitters: PubMed 17576681 (cited by Labcorp Genetics (formerly Invitae), Labcorp); PubMed 9536098 (cited by Labcorp Genetics (formerly Invitae), Labcorp).